The following is an entry in ClinVar:

NM_001134363.3(RBM20):c.1894A>G (p.Arg632Gly)

Gene: RBM20 (RNA binding motif protein 20; plus strand). Cytogenetic location: 10q25.2.
Variant type: single nucleotide variant.
Coding change: c.1894A>G on transcript NM_001134363.3 (MANE Select); coding-DNA position 1894, A replaced by G.
Protein change: p.Arg632Gly; replaces arginine 632 with glycine.
Molecular consequence: missense variant.
Genome position (GRCh38, 1-based): chr10:110,812,291, A>G. VCF-style: chr10-110812291-A-G. GRCh37 (hg19) VCF-style: chr10-112572049-A-G.
Other names: short protein forms R632G.
Identifiers: ClinVar variation 1007168 (VCV001007168.12), dbSNP rs1470779057, ClinGen allele CA378370262.
Genomic context (GRCh38, chr10:110,812,291, plus strand): 5'-ATGGGAGGTGTGAAGATTCTAAATCCTGCTCCTTGGCTCCCTCACAGATATGGCCCAGAA[A>G]GGCCGCGGTCTCGTAGTCCGGTGAGCCGGTCACTCTCCCCGAGGTCCCACACTCCCAGCT-3'
Protein context (NP_001127835.2, residues 622-642): FREADRYGPE[Arg632Gly]PRSRSPVSRS

ClinVar aggregate classification (germline): Uncertain significance. Review status: criteria provided, multiple submitters, no conflicts (2 of 4 stars). 4 submissions from 4 submitters: Uncertain significance (4). Last evaluated 2025-04-17.

Conditions:
Cardiovascular phenotype. Identifiers: MedGen CN230736.
Dilated cardiomyopathy 1DD (CMD1DD). Identifiers: Orphanet 154, MedGen C2750995, MONDO:0013168, OMIM 613172.

Allele frequency attached by ClinVar (database versions not stated): gnomAD exomes 0.00001.
gnomAD v4.1: 6 of 1,545,272 alleles (0.00039%); highest among the groups gnomAD compares: Non-Finnish European, 0.00044%; no homozygotes.

Submissions (4):

Labcorp Genetics (formerly Invitae), Labcorp
Classification: Uncertain significance for Dilated cardiomyopathy 1DD. Last evaluated: 2025-04-17. Review status: criteria provided, single submitter. Criteria: Invitae Variant Classification Sherloc (09022015). Collection method: clinical testing. Allele origin: germline.
Comment: This sequence change replaces arginine, which is basic and polar, with glycine, which is neutral and non-polar, at codon 632 of the RBM20 protein (p.Arg632Gly). This variant is present in population databases (no rsID available, gnomAD 0.006%). This variant has not been reported in the literature in individuals affected with RBM20-related conditions. ClinVar contains an entry for this variant (Variation ID: 1007168). Invitae Evidence Modeling of protein sequence and biophysical properties (such as structural, functional, and spatial information, amino acid conservation, physicochemical variation, residue mobility, and thermodynamic stability) has been performed for this missense variant. However, the output from this modeling did not meet the statistical confidence thresholds required to predict the impact of this variant on RBM20 protein function. In summary, the available evidence is currently insufficient to determine the role of this variant in disease. Therefore, it has been classified as a Variant of Uncertain Significance.

GeneDx
Classification: Uncertain significance. Last evaluated: 2025-02-18. Review status: criteria provided, single submitter. Criteria: GeneDx Variant Classification Process June 2021. Collection method: clinical testing. Allele origin: germline. Affected: yes.
Comment: Not observed at significant frequency in large population cohorts (gnomAD); In silico analysis supports that this missense variant has a deleterious effect on protein structure/function; Has not been previously published as pathogenic or benign to our knowledge

Ambry Genetics
Classification: Uncertain significance for Cardiovascular phenotype. Last evaluated: 2022-01-05. Review status: criteria provided, single submitter. Criteria: Ambry Variant Classification Scheme 2023. Collection method: clinical testing. Allele origin: germline.
Comment: The p.R632G variant (also known as c.1894A>G), located in coding exon 9 of the RBM20 gene, results from an A to G substitution at nucleotide position 1894. The arginine at codon 632 is replaced by glycine, an amino acid with dissimilar properties. This amino acid position is conserved. In addition, this alteration is predicted to be deleterious by in silico analysis. Since supporting evidence is limited at this time, the clinical significance of this alteration remains unclear.

Blueprint Genetics
Classification: Uncertain significance. Last evaluated: 2021-12-28. Review status: criteria provided, single submitter. Criteria: ACMG Guidelines, 2015. Collection method: clinical testing. Allele origin: germline.